The following is an entry in ClinVar:

NM_001844.5(COL2A1):c.2024G>A (p.Gly675Asp)

Gene: COL2A1 (collagen type II alpha 1 chain; minus strand). Cytogenetic location: 12q13.11.
Variant type: single nucleotide variant.
Coding change: c.2024G>A on transcript NM_001844.5 (MANE Select); coding-DNA position 2024, G replaced by A.
Protein change: p.Gly675Asp; replaces glycine 675 with aspartic acid.
Molecular consequence: missense variant.
Genome position (GRCh38, 1-based): chr12:47,983,410, C>T on the plus strand (G>A on the coding strand, the complement: COL2A1 is on the minus strand). VCF-style: chr12-47983410-C-T. GRCh37 (hg19) VCF-style: chr12-48377193-C-T.
Other names: c.1817G>A, p.Gly606Asp (NM_033150.3); short protein forms G675D, G606D.
Identifiers: ClinVar variation 627589 (VCV000627589.9), dbSNP rs1565679062, ClinGen allele CA384547953.

ClinVar aggregate classification (germline): Pathogenic. Review status: criteria provided, multiple submitters, no conflicts (2 of 4 stars). 2 submissions from 2 submitters: Pathogenic (2). Last evaluated 2020-09-02.

Conditions:
Spondyloepiphyseal dysplasia congenita (SEDC). Also called: SED CONGENITA; SPONDYLOEPIPHYSEAL DYSPLASIA, CONGENITAL TYPE. Identifiers: Orphanet 94068, MedGen C2745959, MONDO:0008471, OMIM 183900.

Submissions (2):

Labcorp Genetics (formerly Invitae), Labcorp
Classification: Pathogenic. Last evaluated: 2020-09-02. Review status: criteria provided, single submitter. Criteria: Invitae Variant Classification Sherloc (09022015). Collection method: clinical testing. Allele origin: germline.
Comment: Glycine residues within the Gly-Xaa-Yaa repeats of the triple helix domain are required for the structure and stability of fibrillar collagens (PMID: 7695699, 8218237, 19344236). In COL2A1, missense variants at these glycine residues are significantly enriched in individuals with disease (PMID: 10612821, 26443184) compared to the general population (ExAC). Advanced modeling of protein sequence and biophysical properties (such as structural, functional, and spatial information, amino acid conservation, physicochemical variation, residue mobility, and thermodynamic stability) performed at Invitae indicates that this missense variant is expected to disrupt COL2A1 protein function. This variant has been observed in individual(s) with autosomal dominant spondyloepiphyseal dysplasia congenita (PMID: 26985960). In at least one individual the variant was observed to be de novo. ClinVar contains an entry for this variant (Variation ID: 627589). This variant is not present in population databases (ExAC no frequency). This sequence change replaces glycine with aspartic acid at codon 675 of the COL2A1 protein (p.Gly675Asp). The glycine residue is highly conserved and there is a moderate physicochemical difference between glycine and aspartic acid. For these reasons, this variant has been classified as Pathogenic.

Center of Genomic medicine, Geneva, University Hospital of Geneva
Classification: Pathogenic for Spondyloepiphyseal dysplasia congenita. Last evaluated: 2018-04-13. Review status: criteria provided, single submitter. Criteria: ACMG Guidelines, 2015. Collection method: clinical testing. Allele origin: de novo. Affected: yes.

Literature cited by the submitters: PubMed 7695699 (cited by Labcorp Genetics (formerly Invitae), Labcorp); PubMed 8218237 (cited by Labcorp Genetics (formerly Invitae), Labcorp); PubMed 19344236 (cited by Labcorp Genetics (formerly Invitae), Labcorp); PubMed 10612821 (cited by Labcorp Genetics (formerly Invitae), Labcorp); PubMed 26443184 (cited by Labcorp Genetics (formerly Invitae), Labcorp); PubMed 26985960 (cited by Labcorp Genetics (formerly Invitae), Labcorp).